The following is an entry in ClinVar:

NM_001458.5(FLNC):c.1645A>G (p.Ile549Val)

Gene: FLNC (filamin C; plus strand). Cytogenetic location: 7q32.1.
Variant type: single nucleotide variant.
Coding change: c.1645A>G on transcript NM_001458.5 (MANE Select); coding-DNA position 1645, A replaced by G.
Protein change: p.Ile549Val; replaces isoleucine 549 with valine.
Molecular consequence: missense variant.
Genome position (GRCh38, 1-based): chr7:128,840,643, A>G. VCF-style: chr7-128840643-A-G. GRCh37 (hg19) VCF-style: chr7-128480697-A-G.
Other names: c.1645A>G, p.Ile549Val (NM_001127487.2); short protein forms I549V.
Identifiers: ClinVar variation 423964 (VCV000423964.20), dbSNP rs547997371, ClinGen allele CA4474418.

ClinVar aggregate classification (germline): Uncertain significance. Review status: criteria provided, multiple submitters, no conflicts (2 of 4 stars). 5 submissions from 5 submitters: Uncertain significance (4). 1 of the submissions does not count toward it. Last evaluated 2026-01-21.

Conditions:
FLNC-related disorder. Also called: FLNC-related condition; FLNC-related disorders.
Cardiovascular phenotype. Identifiers: MedGen CN230736.
Distal myopathy with posterior leg and anterior hand involvement. Also called: WILLIAMS DISTAL MYOPATHY. Identifiers: Orphanet 63273, MedGen C3279722, MONDO:0013550, OMIM 614065.
Myofibrillar myopathy 5. Also called: Filaminopathy (type); FILAMINOPATHY, AUTOSOMAL DOMINANT. Identifiers: Orphanet 171445, MedGen C1836050, MONDO:0012289, OMIM 609524.
Hypertrophic cardiomyopathy 26. Also called: Cardiomyopathy, familial hypertrophic, 26. Identifiers: Orphanet 75249, MedGen C4310749, MONDO:0014883, OMIM 617047.

Allele frequency attached by ClinVar (database versions not stated): ExAC 0.00004; gnomAD exomes 0.00004 and 0.00010; gnomAD 0.00008 and 0.00009; TOPMed 0.00011.

Submissions (5):

Labcorp Genetics (formerly Invitae), Labcorp
Classification: Uncertain significance for Distal myopathy with posterior leg and anterior hand involvement; Myofibrillar myopathy 5; Hypertrophic cardiomyopathy 26. Last evaluated: 2026-01-21. Review status: criteria provided, single submitter. Criteria: Invitae Variant Classification Sherloc (09022015). Collection method: clinical testing. Allele origin: germline.
Comment: This sequence change replaces isoleucine, which is neutral and non-polar, with valine, which is neutral and non-polar, at codon 549 of the FLNC protein (p.Ile549Val). This variant is present in population databases (rs547997371, gnomAD 0.009%), and has an allele count higher than expected for a pathogenic variant. This variant has not been reported in the literature in individuals affected with FLNC-related conditions. ClinVar contains an entry for this variant (Variation ID: 423964). Invitae Evidence Modeling of protein sequence and biophysical properties (such as structural, functional, and spatial information, amino acid conservation, physicochemical variation, residue mobility, and thermodynamic stability) has been performed for this missense variant. However, the output from this modeling did not meet the statistical confidence thresholds required to predict the impact of this variant on FLNC protein function. In summary, the available evidence is currently insufficient to determine the role of this variant in disease. Therefore, it has been classified as a Variant of Uncertain Significance.

Ambry Genetics
Classification: Uncertain significance for Cardiovascular phenotype. Last evaluated: 2025-08-05. Review status: criteria provided, single submitter. Criteria: Ambry Variant Classification Scheme 2023. Collection method: clinical testing. Allele origin: germline.

Revvity Omics, Revvity
Classification: Uncertain significance. Last evaluated: 2025-05-06. Review status: criteria provided, single submitter. Criteria: ACMG Guidelines, 2015. Collection method: clinical testing. Allele origin: germline.

GeneDx
Classification: Uncertain significance. Last evaluated: 2018-09-24. Review status: criteria provided, single submitter. Criteria: GeneDx Variant Classification (06012015). Collection method: clinical testing. Allele origin: germline. Affected: yes.
Comment: The I549V variant has not been published as a pathogenic variant, nor has it been reported as a benign variant to our knowledge. The I549V variant is not observed at a significant frequency in large population cohorts (Lek et al., 2016; 1000 Genomes Consortium et al., 2015; Exome Variant Server). This variant is a conservative amino acid substitution, which is not likely to impact secondary protein structure as these residues share similar properties. However, this substitution occurs at a position that is conserved across species, and in silico analysis is inconsistent in its predictions as to whether or not the variant is damaging to the protein structure/function.

PreventionGenetics, part of Exact Sciences
Classification: Likely benign for FLNC-related condition. Last evaluated: 2023-12-19. Review status: no assertion criteria provided. Collection method: clinical testing. Allele origin: germline. Not counted in ClinVar's aggregate classification.
Comment: This variant is classified as likely benign based on ACMG/AMP sequence variant interpretation guidelines (Richards et al. 2015 PMID: 25741868, with internal and published modifications).